The following is an entry in ClinVar:

ClinVar aggregate classification (germline): Uncertain significance. Review status: criteria provided, single submitter (1 of 4 stars). 2 submissions from 2 submitters: Uncertain significance (1). 1 of the submissions does not count toward it. Last evaluated 2022-01-21.

Conditions:
Glycogen storage disease, type II (IOPD). Also called: GLYCOGENOSIS, GENERALIZED, CARDIAC FORM; GSD II; Glucosidase acid-1,4-alpha deficiency; CARDIOMEGALIA GLYCOGENICA DIFFUSA; Pompe Disease; POMPE DISEASE, INFANTILE-ONSET. Identifiers: Orphanet 365, MedGen C0017921, MONDO:0009290, OMIM 232300.

Allele frequency attached by ClinVar (database versions not stated): gnomAD exomes below 0.00001 and 0.00001; gnomAD 0.00001.
gnomAD v4.1: 9 of 1,612,378 alleles (0.00056%); highest among the groups gnomAD compares: Non-Finnish European, 0.00068%; no homozygotes.

Submissions (2):

Labcorp Genetics (formerly Invitae), Labcorp
Classification: Uncertain significance for Glycogen storage disease, type II. Last evaluated: 2022-01-21. Review status: criteria provided, single submitter. Criteria: Invitae Variant Classification Sherloc (09022015). Collection method: clinical testing. Allele origin: germline.
Comment: This sequence change replaces alanine, which is neutral and non-polar, with valine, which is neutral and non-polar, at codon 105 of the GAA protein (p.Ala105Val). This variant is present in population databases (rs761409404, gnomAD 0.0009%). This variant has not been reported in the literature in individuals affected with GAA-related conditions. ClinVar contains an entry for this variant (Variation ID: 1052542). Advanced modeling of protein sequence and biophysical properties (such as structural, functional, and spatial information, amino acid conservation, physicochemical variation, residue mobility, and thermodynamic stability) performed at Invitae indicates that this missense variant is not expected to disrupt GAA protein function. Algorithms developed to predict the effect of sequence changes on RNA splicing suggest that this variant may create or strengthen a splice site. In summary, the available evidence is currently insufficient to determine the role of this variant in disease. Therefore, it has been classified as a Variant of Uncertain Significance.

Natera, Inc.
Classification: Uncertain significance for Glycogen storage disease type II. Last evaluated: 2020-07-18. Review status: no assertion criteria provided. Collection method: clinical testing. Allele origin: germline. Not counted in ClinVar's aggregate classification.

NM_000152.5(GAA):c.314C>T (p.Ala105Val)

Gene: GAA (alpha glucosidase; plus strand). Cytogenetic location: 17q25.3.
Variant type: single nucleotide variant.
Coding change: c.314C>T on transcript NM_000152.5 (MANE Select); coding-DNA position 314, C replaced by T.
Protein change: p.Ala105Val; replaces alanine 105 with valine.
Molecular consequence: missense variant.
Genome position (GRCh38, 1-based): chr17:80,104,900, C>T. VCF-style: chr17-80104900-C-T. GRCh37 (hg19) VCF-style: chr17-78078699-C-T.
Other names: c.314C>T, p.Ala105Val (NM_001079803.3, NM_001079804.3); short protein forms A105V.
Identifiers: ClinVar variation 1052542 (VCV001052542.6), dbSNP rs761409404, ClinGen allele CA8814848.